The following is an entry in ClinVar:

ClinVar aggregate classification (germline): Uncertain significance. Review status: criteria provided, multiple submitters, no conflicts (2 of 4 stars). 2 submissions from 2 submitters: Uncertain significance (2). Last evaluated 2026-08-02.

Conditions:
Multiple endocrine neoplasia type 4. Also called: MULTIPLE ENDOCRINE NEOPLASIA, TYPE IV. Identifiers: Orphanet 276152, MedGen C1970712, MONDO:0012552, OMIM 610755.
Hereditary cancer-predisposing syndrome. Also called: Hereditary Cancer Syndrome; Hereditary neoplastic syndrome; Neoplastic Syndromes, Hereditary; Tumor predisposition. Identifiers: Orphanet 140162, MedGen C0027672, MeSH D009386, MONDO:0015356.

Submissions (2):

Ambry Genetics
Classification: Uncertain significance for Hereditary cancer-predisposing syndrome. Last evaluated: 2026-08-02. Review status: criteria provided, single submitter. Criteria: Ambry Variant Classification Scheme 2023. Collection method: clinical testing. Allele origin: germline.
Comment: The p.R58H variant (also known as c.173G>A), located in coding exon 1 of the CDKN1B gene, results from a G to A substitution at nucleotide position 173. The arginine at codon 58 is replaced by histidine, an amino acid with highly similar properties. This amino acid position is conserved. In addition, the in silico prediction for this alteration is inconclusive. Based on the available evidence, the clinical significance of this variant remains unclear.

Labcorp Genetics (formerly Invitae), Labcorp
Classification: Uncertain significance for Multiple endocrine neoplasia type 4. Last evaluated: 2023-08-03. Review status: criteria provided, single submitter. Criteria: Invitae Variant Classification Sherloc (09022015). Collection method: clinical testing. Allele origin: germline.
Comment: In summary, the available evidence is currently insufficient to determine the role of this variant in disease. Therefore, it has been classified as a Variant of Uncertain Significance. An algorithm developed to predict the effect of missense changes on protein structure and function (PolyPhen-2) suggests that this variant is likely to be disruptive. This variant has not been reported in the literature in individuals affected with CDKN1B-related conditions. This variant is not present in population databases (gnomAD no frequency). This sequence change replaces arginine, which is basic and polar, with histidine, which is basic and polar, at codon 58 of the CDKN1B protein (p.Arg58His).

NM_004064.5(CDKN1B):c.173G>A (p.Arg58His)

Gene: CDKN1B (cyclin dependent kinase inhibitor 1B; plus strand). Cytogenetic location: 12p13.1.
Variant type: single nucleotide variant.
Coding change: c.173G>A on transcript NM_004064.5 (MANE Select); coding-DNA position 173, G replaced by A.
Protein change: p.Arg58His; replaces arginine 58 with histidine.
Molecular consequence: missense variant.
Genome position (GRCh38, 1-based): chr12:12,718,012, G>A. VCF-style: chr12-12718012-G-A. GRCh37 (hg19) VCF-style: chr12-12870946-G-A.
Other names: c.173G>A (NM_004064.3); short protein forms R58H.
Identifiers: ClinVar variation 2738231 (VCV002738231.3), dbSNP rs1187039160, ClinGen allele CA383969206.